The following is an entry in ClinVar:

NM_001206927.2(DNAH8):c.1983G>A (p.Met661Ile)

Gene: DNAH8 (dynein axonemal heavy chain 8; plus strand). Cytogenetic location: 6p21.2.
Variant type: single nucleotide variant.
Coding change: c.1983G>A on transcript NM_001206927.2 (MANE Select); coding-DNA position 1983, G replaced by A.
Protein change: p.Met661Ile; replaces methionine 661 with isoleucine.
Molecular consequence: missense variant.
Genome position (GRCh38, 1-based): chr6:38,778,408, G>A. VCF-style: chr6-38778408-G-A. GRCh37 (hg19) VCF-style: chr6-38746184-G-A.
Other names: c.1332G>A, p.Met444Ile (NM_001371.4); short protein forms M444I, M661I.
Identifiers: ClinVar variation 2062485 (VCV002062485.1), dbSNP rs769997917, ClinGen allele CA3788377.

ClinVar aggregate classification (germline): Uncertain significance (1 of 4 stars; one submission).

Conditions:
Primary ciliary dyskinesia. Also called: Ciliary dyskinesia. Identifiers: Orphanet 244, MedGen C0008780, MONDO:0016575, HP:0012265.

Allele frequency attached by ClinVar (database versions not stated): TOPMed 0.00001; ExAC 0.00003; gnomAD 0.00003; gnomAD exomes 0.00003.
gnomAD v4.1: 47 of 1,577,398 alleles (0.003%); highest among the groups gnomAD compares: Non-Finnish European, 0.003%; no homozygotes.

Submission:

Labcorp Genetics (formerly Invitae), Labcorp
Classification: Uncertain significance for Primary ciliary dyskinesia. Last evaluated: 2022-06-30. Review status: criteria provided, single submitter. Criteria: Invitae Variant Classification Sherloc (09022015). Collection method: clinical testing. Allele origin: germline.
Comment: This sequence change replaces methionine, which is neutral and non-polar, with isoleucine, which is neutral and non-polar, at codon 661 of the DNAH8 protein (p.Met661Ile). This variant is present in population databases (rs769997917, gnomAD 0.02%). This variant has not been reported in the literature in individuals affected with DNAH8-related conditions. Algorithms developed to predict the effect of missense changes on protein structure and function are either unavailable or do not agree on the potential impact of this missense change (SIFT: "Deleterious"; PolyPhen-2: "Not Available"; Align-GVGD: "Class C0"). Algorithms developed to predict the effect of sequence changes on RNA splicing suggest that this variant may disrupt the consensus splice site. In summary, the available evidence is currently insufficient to determine the role of this variant in disease. Therefore, it has been classified as a Variant of Uncertain Significance.